The following is an entry in ClinVar:

NM_018192.4(P3H2):c.1943G>C (p.Gly648Ala)

Gene: P3H2 (prolyl 3-hydroxylase 2; minus strand). Cytogenetic location: 3q28.
Variant type: single nucleotide variant.
Coding change: c.1943G>C on transcript NM_018192.4 (MANE Select); coding-DNA position 1943, G replaced by C.
Protein change: p.Gly648Ala; replaces glycine 648 with alanine.
Molecular consequence: missense variant.
Genome position (GRCh38, 1-based): chr3:189,964,049, C>G on the plus strand (G>C on the coding strand, the complement: P3H2 is on the minus strand). VCF-style: chr3-189964049-C-G. GRCh37 (hg19) VCF-style: chr3-189681838-C-G.
Other names: c.1400G>C, p.Gly467Ala (NM_001134418.2); short protein forms G467A, G648A.
Identifiers: ClinVar variation 2126761 (VCV002126761.4), dbSNP rs1387026412, ClinGen allele CA355751946.

ClinVar aggregate classification (germline): Uncertain significance (1 of 4 stars; one submission).

Submission:

Labcorp Genetics (formerly Invitae), Labcorp
Classification: Uncertain significance. Last evaluated: 2022-05-20. Review status: criteria provided, single submitter. Criteria: Invitae Variant Classification Sherloc (09022015). Collection method: clinical testing. Allele origin: germline.
Comment: This variant has not been reported in the literature in individuals affected with P3H2-related conditions. This variant is not present in population databases (gnomAD no frequency). This sequence change replaces glycine, which is neutral and non-polar, with alanine, which is neutral and non-polar, at codon 648 of the P3H2 protein (p.Gly648Ala). In summary, the available evidence is currently insufficient to determine the role of this variant in disease. Therefore, it has been classified as a Variant of Uncertain Significance. Algorithms developed to predict the effect of missense changes on protein structure and function are either unavailable or do not agree on the potential impact of this missense change (SIFT: "Deleterious"; PolyPhen-2: "Benign"; Align-GVGD: "Class C0").